The following is an entry in ClinVar:

ClinVar aggregate classification (germline): Uncertain significance (1 of 4 stars; one submission).

Submission:

Labcorp Genetics (formerly Invitae), Labcorp
Classification: Uncertain significance. Last evaluated: 2023-08-19. Review status: criteria provided, single submitter. Criteria: Invitae Variant Classification Sherloc (09022015). Collection method: clinical testing. Allele origin: germline.
Comment: In summary, the available evidence is currently insufficient to determine the role of this variant in disease. Therefore, it has been classified as a Variant of Uncertain Significance. An algorithm developed to predict the effect of missense changes on protein structure and function (PolyPhen-2) suggests that this variant is likely to be disruptive. This variant has not been reported in the literature in individuals affected with FRMD7-related conditions. This variant is not present in population databases (gnomAD no frequency). This sequence change replaces glutamic acid, which is acidic and polar, with lysine, which is basic and polar, at codon 691 of the FRMD7 protein (p.Glu691Lys).

NM_194277.3(FRMD7):c.2071G>A (p.Glu691Lys)

Gene: FRMD7 (FERM domain containing 7; minus strand). Cytogenetic location: Xq26.2.
Variant type: single nucleotide variant.
Coding change: c.2071G>A on transcript NM_194277.3 (MANE Select); coding-DNA position 2071, G replaced by A.
Protein change: p.Glu691Lys; replaces glutamic acid 691 with lysine.
Molecular consequence: missense variant.
Genome position (GRCh38, 1-based): chrX:132,077,946, C>T on the plus strand (G>A on the coding strand, the complement: FRMD7 is on the minus strand). VCF-style: chrX-132077946-C-T. GRCh37 (hg19) VCF-style: chrX-131211974-C-T.
Other names: c.2026G>A, p.Glu676Lys (NM_001306193.2); short protein forms E676K, E691K.
Identifiers: ClinVar variation 2808435 (VCV002808435.3), dbSNP rs2520688446, ClinGen allele CA414677670.